The following is an entry in ClinVar:

ClinVar aggregate classification (germline): Benign/Likely benign (0 of 4 stars; one submission).

Submission:

ISCA Site 6
Classification: Benign/Likely benign. Review status: no assertion criteria provided. Collection method: clinical testing. Allele origin: unknown. Affected: yes. Observed: 4 variant alleles. Clinical features observed: Developmental delay AND/OR other significant developmental or morphological phenotypes.
Comment: Likely benign (1), Benign (3)

Copy number variation identified through the course of routine clinical cytogenomic testing in postnatal populations, with clinical assertions as classified by the original submitter. For data from the original published study, Kaminsky, et al. 2011 (PubMed 21844811), please see nstd101.

GRCh37/hg19 Xq28(chrX:154933719-155224707)x0

Variant type: copy number loss.
Change: copy number 0 of chrX:154,933,719-155,224,707 (291.0 kb, GRCh37 coordinates, 1-based), cytogenetic band Xq28.
Identifiers: ClinVar variation 395071 (VCV000395071.3).